The following is an entry in ClinVar:

ClinVar aggregate classification (germline): Uncertain significance (1 of 4 stars; one submission).

Allele frequency attached by ClinVar (database versions not stated): gnomAD exomes below 0.00001.
gnomAD v4.1: 1 of 1,609,838 alleles (0.000062%); highest among the groups gnomAD compares: Non-Finnish European, 0.000085%; no homozygotes.

Submission:

GeneDx
Classification: Uncertain significance. Last evaluated: 2017-06-21. Review status: criteria provided, single submitter. Criteria: GeneDx Variant Classification (06012015). Collection method: clinical testing. Allele origin: germline. Affected: yes.
Comment: A variant of uncertain significance has been identified in the GABRG2 gene. The Q191K variant has not been published as a pathogenic variant, nor has it been reported as a benign variant to our knowledge. The Q191K variant is not observed in large population cohorts (Lek et al., 2016; 1000 Genomes Consortium et al., 2015; Exome Variant Server). The Q191K variant is a a semi-conservative amino acid substitution, which may impact secondary protein structure as these residues differ in some properties. This substitution occurs at a position that is conserved across species. However, in silico analysis is inconsistent in its predictions as to whether or not the variant is damaging to the protein structure/function. Therefore, based on the currently available information, it is unclear whether this variant is a pathogenic variant or a rare benign variant.

NM_198904.4(GABRG2):c.571C>A (p.Gln191Lys)

Gene: GABRG2 (gamma-aminobutyric acid type A receptor subunit gamma2; plus strand). Cytogenetic location: 5q34.
Variant type: single nucleotide variant.
Coding change: c.571C>A on transcript NM_198904.4 (MANE Select); coding-DNA position 571, C replaced by A.
Protein change: p.Gln191Lys; replaces glutamine 191 with lysine.
Molecular consequence: missense variant.
Genome position (GRCh38, 1-based): chr5:162,101,257, C>A. VCF-style: chr5-162101257-C-A. GRCh37 (hg19) VCF-style: chr5-161528263-C-A.
Other names: c.571C>A, p.Gln191Lys (NM_000816.3, NM_001375340.1, NM_001375341.1 and 4 more transcripts); c.562C>A, p.Gln188Lys (NM_001375339.1); c.505C>A, p.Gln169Lys (NM_001375345.1, NM_001375346.1); c.484C>A, p.Gln162Lys (NM_001375347.1); c.151C>A, p.Gln51Lys (NM_001375348.1, NM_001375350.1); c.286C>A, p.Gln96Lys (NM_001375349.1); short protein forms Q191K, Q162K, Q169K, Q188K, Q51K, Q96K.
Identifiers: ClinVar variation 450026 (VCV000450026.2), dbSNP rs1334776746, ClinGen allele CA362184537.